The following is an entry in ClinVar:

NM_005245.4(FAT1):c.1877T>C (p.Leu626Ser)

Gene: FAT1 (FAT atypical cadherin 1; minus strand). Cytogenetic location: 4q35.2.
Variant type: single nucleotide variant.
Coding change: c.1877T>C on transcript NM_005245.4 (MANE Select); coding-DNA position 1877, T replaced by C.
Protein change: p.Leu626Ser; replaces leucine 626 with serine.
Molecular consequence: missense variant.
Genome position (GRCh38, 1-based): chr4:186,707,951, A>G on the plus strand (T>C on the coding strand, the complement: FAT1 is on the minus strand). VCF-style: chr4-186707951-A-G. GRCh37 (hg19) VCF-style: chr4-187629105-A-G.
Other names: p.Leu626Ser; c.1877T>C, p.Leu626Ser (NM_001440455.1, NM_001440456.1, NM_001440457.1); short protein forms L626S.
Identifiers: ClinVar variation 4541028 (VCV004541028.1).

ClinVar aggregate classification (germline): Uncertain significance (1 of 4 stars; one submission).

Submission:

Mayo Clinic Laboratories, Mayo Clinic
Classification: Uncertain significance. Last evaluated: 2025-09-26. Review status: criteria provided, single submitter. Criteria: ACMG Guidelines, 2015. Collection method: clinical testing. Allele origin: germline. Observed: 1 variant allele.
Comment: BP5, PM2_supporting